The following is an entry in ClinVar:

NM_172351.3(CD46):c.650G>C (p.Ser217Thr)

Gene: CD46 (CD46 molecule; plus strand). Cytogenetic location: 1q32.2.
Variant type: single nucleotide variant.
Coding change: c.650G>C on transcript NM_172351.3 (MANE Select); coding-DNA position 650, G replaced by C.
Protein change: p.Ser217Thr; replaces serine 217 with threonine.
Molecular consequence: missense variant.
Genome position (GRCh38, 1-based): chr1:207,761,423, G>C. VCF-style: chr1-207761423-G-C. GRCh37 (hg19) VCF-style: chr1-207934768-G-C.
Other names: c.650G>C, p.Ser217Thr (NM_002389.4, NM_153826.4, NM_172350.3 and 8 more transcripts); short protein forms S217T.
Identifiers: ClinVar variation 4291170 (VCV004291170.1).
Genomic context (GRCh38, chr1:207,761,423, plus strand): 5'-CAGATCCATTTTCACTTATTGGAGAGAGCACGATTTATTGTGGTGACAATTCAGTGTGGA[G>C]TCGTGCTGCTCCAGAGTGTAAAGGTAGTGTTTCAATTTATTTCCTTCTTCATTTGTAAAT-3'
Protein context (NP_758861.1, residues 207-227): TIYCGDNSVW[Ser217Thr]RAAPECKVVK

ClinVar aggregate classification (germline): Uncertain significance (1 of 4 stars; one submission).

Conditions:
Atypical hemolytic-uremic syndrome. Identifiers: Orphanet 2134, MedGen C2931788, MONDO:0016244.

Submission:

Genomenon, Inc
Classification: Uncertain significance for Atypical hemolytic-uremic syndrome. Last evaluated: 2025-10-02. Review status: criteria provided, single submitter. Criteria: Genomenon Sequence Variant Interpretation Standards. Collection method: curation. Allele origin: germline. Affected: no.
Comment: CD46 p.Ser217Thr (c.650G>C) is a missense variant that changes the amino acid at residue 217 from Serine to Threonine. This variant has been reported in the published literature (PMID:10960475). It is absent or not present at a significant frequency in gnomAD. In silico models agree that this variant is not damaging. In conclusion, we classify CD46 p.Ser217Thr (c.650G>C) as a variant of uncertain significance.

Literature cited by the submitters: PubMed 10960475.